The following is an entry in ClinVar:

NM_000059.4(BRCA2):c.5440G>T (p.Val1814Leu)

Gene: BRCA2 (BRCA2 DNA repair associated; plus strand). Cytogenetic location: 13q13.1.
Variant type: single nucleotide variant.
Coding change: c.5440G>T on transcript NM_000059.4 (MANE Select); coding-DNA position 5440, G replaced by T.
Protein change: p.Val1814Leu; replaces valine 1814 with leucine.
Molecular consequence: missense variant. On other transcripts: non-coding transcript variant (1), intron variant (2).
Genome position (GRCh38, 1-based): chr13:32,339,795, G>T. VCF-style: chr13-32339795-G-T. GRCh37 (hg19) VCF-style: chr13-32913932-G-T.
Other names: c.5440G>T, p.Val1814Leu (NM_001406719.1, NM_001406720.1); c.1910-4763G>T (NM_001406721.1); c.425-4763G>T (NM_001406722.1); short protein forms V1814L.
Identifiers: ClinVar variation 2859207 (VCV002859207.3), dbSNP rs2072529444, ClinGen allele CA387785528.
Genomic context (GRCh38, chr13:32,339,795, plus strand): 5'-GTAAAAGATGCAAATGCATACCCACAAACTGTAAATGAAGATATTTGCGTTGAGGAACTT[G>T]TGACTAGCTCTTCACCCTGCAAAAATAAAAATGCAGCCATTAAATTGTCCATATCTAATA-3'
Protein context (NP_000050.3, residues 1804-1824): VNEDICVEEL[Val1814Leu]TSSSPCKNKN

ClinVar aggregate classification (germline): Uncertain significance (1 of 4 stars; one submission).

Conditions:
Hereditary breast ovarian cancer syndrome. Also called: Hereditary breast and ovarian cancer syndrome (HBOC); Hereditary breast and ovarian cancer syndrome; Hereditary breast and/or ovarian cancer syndrome; Hereditary breast and ovarian cancer; Breast and ovarian cancer; BRCA1- and BRCA2-Associated Hereditary Breast and Ovarian Cancer. Identifiers: Orphanet 145, MedGen C0677776, MeSH D061325, MONDO:0003582. Disease mechanism: loss of function.

gnomAD v4.1: 1 of 1,613,746 alleles (0.000062%); no homozygotes.

Submission:

Labcorp Genetics (formerly Invitae), Labcorp
Classification: Uncertain significance for Hereditary breast ovarian cancer syndrome. Last evaluated: 2023-04-25. Review status: criteria provided, single submitter. Criteria: Invitae Variant Classification Sherloc (09022015). Collection method: clinical testing. Allele origin: germline.
Comment: In summary, the available evidence is currently insufficient to determine the role of this variant in disease. Therefore, it has been classified as a Variant of Uncertain Significance. Advanced modeling of protein sequence and biophysical properties (such as structural, functional, and spatial information, amino acid conservation, physicochemical variation, residue mobility, and thermodynamic stability) performed at Invitae indicates that this missense variant is not expected to disrupt BRCA2 protein function. This variant has not been reported in the literature in individuals affected with BRCA2-related conditions. This variant is not present in population databases (gnomAD no frequency). This sequence change replaces valine, which is neutral and non-polar, with leucine, which is neutral and non-polar, at codon 1814 of the BRCA2 protein (p.Val1814Leu).